The following is an entry in ClinVar:

NM_001282531.3(ADNP):c.1189G>A (p.Ala397Thr)

Gene: ADNP (activity dependent neuroprotector homeobox; minus strand). Cytogenetic location: 20q13.13.
Variant type: single nucleotide variant.
Coding change: c.1189G>A on transcript NM_001282531.3 (MANE Select); coding-DNA position 1189, G replaced by A.
Protein change: p.Ala397Thr; replaces alanine 397 with threonine.
Molecular consequence: missense variant.
Genome position (GRCh38, 1-based): chr20:50,893,525, C>T on the plus strand (G>A on the coding strand, the complement: ADNP is on the minus strand). VCF-style: chr20-50893525-C-T. GRCh37 (hg19) VCF-style: chr20-49510062-C-T.
Other names: c.1189G>A, p.Ala397Thr (NM_001282532.2, NM_001347511.2, NM_015339.5 and 1 more transcripts); c.1405G>A, p.Ala469Thr (NM_001439000.1); c.505G>A, p.Ala169Thr (NM_001439001.1); short protein forms A169T, A397T, A469T.
Identifiers: ClinVar variation 4759638 (VCV004759638.1).

ClinVar aggregate classification (germline): Uncertain significance (1 of 4 stars; one submission).

Submission:

Labcorp Genetics (formerly Invitae), Labcorp
Classification: Uncertain significance. Last evaluated: 2025-11-04. Review status: criteria provided, single submitter. Criteria: Invitae Variant Classification Sherloc (09022015). Collection method: clinical testing. Allele origin: germline.
Comment: This sequence change replaces alanine, which is neutral and non-polar, with threonine, which is neutral and polar, at codon 397 of the ADNP protein (p.Ala397Thr). This variant is present in population databases (no rsID available, gnomAD 0.0009%). This variant has not been reported in the literature in individuals affected with ADNP-related conditions. An algorithm developed to predict the effect of missense changes on protein structure and function (PolyPhen-2) suggests that this variant is likely to be tolerated. In summary, the available evidence is currently insufficient to determine the role of this variant in disease. Therefore, it has been classified as a Variant of Uncertain Significance.